The following is an entry in ClinVar:

ClinVar aggregate classification (germline): Uncertain significance (1 of 4 stars; one submission).

Allele frequency attached by ClinVar (database versions not stated): TOPMed below 0.00001.

Submission:

Labcorp Genetics (formerly Invitae), Labcorp
Classification: Uncertain significance. Last evaluated: 2022-05-04. Review status: criteria provided, single submitter. Criteria: Invitae Variant Classification Sherloc (09022015). Collection method: clinical testing. Allele origin: germline.
Comment: This sequence change replaces serine, which is neutral and polar, with glycine, which is neutral and non-polar, at codon 57 of the ANGPT1 protein (p.Ser57Gly). This variant is not present in population databases (gnomAD no frequency). This variant has not been reported in the literature in individuals affected with ANGPT1-related conditions. Algorithms developed to predict the effect of missense changes on protein structure and function (SIFT, PolyPhen-2, Align-GVGD) all suggest that this variant is likely to be tolerated. In summary, the available evidence is currently insufficient to determine the role of this variant in disease. Therefore, it has been classified as a Variant of Uncertain Significance.

NM_001146.5(ANGPT1):c.169A>G (p.Ser57Gly)

Gene: ANGPT1 (angiopoietin 1; minus strand). Cytogenetic location: 8q23.1.
Variant type: single nucleotide variant.
Coding change: c.169A>G on transcript NM_001146.5 (MANE Select); coding-DNA position 169, A replaced by G.
Protein change: p.Ser57Gly; replaces serine 57 with glycine.
Molecular consequence: missense variant.
Genome position (GRCh38, 1-based): chr8:107,497,390, T>C on the plus strand (A>G on the coding strand, the complement: ANGPT1 is on the minus strand). VCF-style: chr8-107497390-T-C. GRCh37 (hg19) VCF-style: chr8-108509618-T-C.
Other names: c.169A>G, p.Ser57Gly (NM_001199859.3); short protein forms S57G.
Identifiers: ClinVar variation 1939405 (VCV001939405.2), dbSNP rs1813135141, ClinGen allele CA372035377.